The following is an entry in ClinVar:

NM_005430.4(WNT1):c.98G>T (p.Arg33Leu)

Gene: WNT1 (Wnt family member 1; plus strand). Cytogenetic location: 12q13.12.
Variant type: single nucleotide variant.
Coding change: c.98G>T on transcript NM_005430.4 (MANE Select); coding-DNA position 98, G replaced by T.
Protein change: p.Arg33Leu; replaces arginine 33 with leucine.
Molecular consequence: missense variant.
Genome position (GRCh38, 1-based): chr12:48,978,748, G>T. VCF-style: chr12-48978748-G-T. GRCh37 (hg19) VCF-style: chr12-49372531-G-T.
Other names: short protein forms R33L.
Identifiers: ClinVar variation 2957843 (VCV002957843.3), dbSNP rs756280237, ClinGen allele CA6544311.

ClinVar aggregate classification (germline): Uncertain significance (1 of 4 stars; one submission).

Allele frequency attached by ClinVar (database versions not stated): gnomAD exomes 0.00001; ExAC 0.00001.

Submission:

Labcorp Genetics (formerly Invitae), Labcorp
Classification: Uncertain significance. Last evaluated: 2025-10-06. Review status: criteria provided, single submitter. Criteria: Invitae Variant Classification Sherloc (09022015). Collection method: clinical testing. Allele origin: germline.
Comment: This sequence change replaces arginine, which is basic and polar, with leucine, which is neutral and non-polar, at codon 33 of the WNT1 protein (p.Arg33Leu). This variant is present in population databases (rs756280237, gnomAD 0.004%). This variant has not been reported in the literature in individuals affected with WNT1-related conditions. ClinVar contains an entry for this variant (Variation ID: 2957843). An algorithm developed to predict the effect of missense changes on protein structure and function (PolyPhen-2) suggests that this variant is likely to be tolerated. In summary, the available evidence is currently insufficient to determine the role of this variant in disease. Therefore, it has been classified as a Variant of Uncertain Significance.